The following is an entry in ClinVar:

NM_004444.5(EPHB4):c.2168del (p.Gly723fs)

Gene: EPHB4 (EPH receptor B4; minus strand). Cytogenetic location: 7q22.1.
Variant type: Deletion.
Coding change: c.2168del on transcript NM_004444.5 (MANE Select); coding-DNA position 2168, one base deleted (G; older notation c.2168delG).
Protein change: p.Gly723fs; shifts the reading frame from glycine 723.
Molecular consequence: frameshift variant.
Genome position (GRCh38, 1-based): chr7:100,807,531, C deleted on the plus strand (G on the coding strand, the reverse complement: EPHB4 is on the minus strand); the first of 4 consecutive C bases (chr7:100,807,531-100,807,534); deleting any one gives the same sequence. VCF-style (leftmost placement, unchanged base first): chr7-100807530-GC-G. GRCh37 (hg19) VCF-style: chr7-100405152-GC-G.
Other names: short protein forms G723fs.
Identifiers: ClinVar variation 3346468 (VCV003346468.1).

ClinVar aggregate classification (germline): Likely pathogenic (0 of 4 stars; one submission).

Conditions:
EPHB4-related disorder. Also called: EPHB4-related condition; EPHB4-related disorders.

Submission:

PreventionGenetics, part of Exact Sciences
Classification: Likely pathogenic for EPHB4-related condition. Last evaluated: 2024-04-08. Review status: no assertion criteria provided. Collection method: clinical testing. Allele origin: germline.
Comment: The EPHB4 c.2168delG variant is predicted to result in a frameshift and premature protein termination (p.Gly723Alafs*12). To our knowledge, this variant has not been reported in the literature or in a large population database, indicating this variant is rare. Frameshift variants in EPHB4 are expected to be pathogenic. This variant is interpreted as likely pathogenic.